The following is an entry in ClinVar:

NM_000444.6(PHEX):c.1715G>T (p.Gly572Val)

Genes: PHEX (phosphate regulating endopeptidase X-linked; plus strand), PTCHD1-AS (PTCHD1 and PHEX antisense RNA; minus strand). Cytogenetic location: Xp22.11.
Variant type: single nucleotide variant.
Coding change: c.1715G>T on transcript NM_000444.6 (MANE Select); coding-DNA position 1715, G replaced by T.
Protein change: p.Gly572Val; replaces glycine 572 with valine.
Molecular consequence: missense variant.
Genome position (GRCh38, 1-based): chrX:22,219,050, G>T. VCF-style: chrX-22219050-G-T. GRCh37 (hg19) VCF-style: chrX-22237167-G-T.
Other names: c.1715G>T, p.Gly572Val (NM_001282754.2); short protein forms G572V.
Identifiers: ClinVar variation 372461 (VCV000372461.6), dbSNP rs1057517795, ClinGen allele CA16043263.

ClinVar aggregate classification (germline): Pathogenic/Likely pathogenic. Review status: criteria provided, multiple submitters, no conflicts (2 of 4 stars). 2 submissions from 2 submitters: Pathogenic (1); Likely pathogenic (1). Last evaluated 2024-04-25.

Submissions (2):

Labcorp Genetics (formerly Invitae), Labcorp
Classification: Pathogenic. Last evaluated: 2024-04-25. Review status: criteria provided, single submitter. Criteria: Invitae Variant Classification Sherloc (09022015). Collection method: clinical testing. Allele origin: germline.
Comment: This sequence change replaces glycine, which is neutral and non-polar, with valine, which is neutral and non-polar, at codon 572 of the PHEX protein (p.Gly572Val). This variant is not present in population databases (gnomAD no frequency). This missense change has been observed in individual(s) with X-linked hypophosphatemia (PMID: 32253725). ClinVar contains an entry for this variant (Variation ID: 372461). Advanced modeling of protein sequence and biophysical properties (such as structural, functional, and spatial information, amino acid conservation, physicochemical variation, residue mobility, and thermodynamic stability) performed at Invitae indicates that this missense variant is expected to disrupt PHEX protein function with a positive predictive value of 95%. Algorithms developed to predict the effect of sequence changes on RNA splicing suggest that this variant may disrupt the consensus splice site. This variant disrupts the p.Gly572 amino acid residue in PHEX. Other variant(s) that disrupt this residue have been determined to be pathogenic (PMID: 11502829, 16055933; Invitae). This suggests that this residue is clinically significant, and that variants that disrupt this residue are likely to be disease-causing. For these reasons, this variant has been classified as Pathogenic.

GeneDx
Classification: Likely pathogenic. Last evaluated: 2017-02-06. Review status: criteria provided, single submitter. Criteria: GeneDx Variant Classification (06012015). Collection method: clinical testing. Allele origin: germline. Affected: yes.
Comment: The G572V variant has not been published as a pathogenic variant, nor has it been reported as a benign variant to our knowledge. The variant is not observed in large population cohorts (Lek et al., 2016; 1000 Genomes Consortium et al., 2015; Exome Variant Server). G572V is a conservative amino acid substitution, which is not likely to impact secondary protein structure as these residues share similar properties. However, this substitution occurs at a position that is conserved across species, and in silico analysis predicts this variant is probably damaging to the protein structure/function. Missense variants in the same residue (G572D) and in nearby residues (R567P, A573D) have been reported in the Human Gene Mutation Database in association with hypophosphatemic rickets (Stenson et al., 2014), supporting the functional importance of this region of the protein. Additionally, the G572D and G572S variants have been observed in affected individuals at GeneDx and are classified as likely pathogenic. In summary, the G572V variant is likely pathogenic; however, the possibility that it is benign cannot be excluded.

Literature cited by the submitters: PubMed 32253725 (cited by Labcorp Genetics (formerly Invitae), Labcorp); PubMed 11502829 (cited by Labcorp Genetics (formerly Invitae), Labcorp); PubMed 16055933 (cited by Labcorp Genetics (formerly Invitae), Labcorp).